The following is an entry in ClinVar:

ClinVar aggregate classification (germline): Uncertain significance (1 of 4 stars; one submission).

Allele frequency attached by ClinVar (database versions not stated): TOPMed 0.00001; gnomAD exomes 0.00003.
gnomAD v4.1: 40 of 1,614,144 alleles (0.0025%); highest among the groups gnomAD compares: Non-Finnish European, 0.0033%; no homozygotes.

Submission:

Labcorp Genetics (formerly Invitae), Labcorp
Classification: Uncertain significance. Last evaluated: 2022-06-07. Review status: criteria provided, single submitter. Criteria: Invitae Variant Classification Sherloc (09022015). Collection method: clinical testing. Allele origin: germline.
Comment: This sequence change replaces serine, which is neutral and polar, with cysteine, which is neutral and slightly polar, at codon 2089 of the CPLANE1 protein (p.Ser2089Cys). This variant is present in population databases (no rsID available, gnomAD 0.002%). This variant has not been reported in the literature in individuals affected with CPLANE1-related conditions. Advanced modeling of protein sequence and biophysical properties (such as structural, functional, and spatial information, amino acid conservation, physicochemical variation, residue mobility, and thermodynamic stability) performed at Invitae indicates that this missense variant is not expected to disrupt CPLANE1 protein function. In summary, the available evidence is currently insufficient to determine the role of this variant in disease. Therefore, it has been classified as a Variant of Uncertain Significance.

NM_001384732.1(CPLANE1):c.6266C>G (p.Ser2089Cys)

Gene: CPLANE1 (ciliogenesis and planar polarity effector complex subunit 1; minus strand). Cytogenetic location: 5p13.2.
Variant type: single nucleotide variant.
Coding change: c.6266C>G on transcript NM_001384732.1 (MANE Select); coding-DNA position 6266, C replaced by G.
Protein change: p.Ser2089Cys; replaces serine 2089 with cysteine.
Molecular consequence: missense variant.
Genome position (GRCh38, 1-based): chr5:37,170,237, G>C on the plus strand (C>G on the coding strand, the complement: CPLANE1 is on the minus strand). VCF-style: chr5-37170237-G-C. GRCh37 (hg19) VCF-style: chr5-37170339-G-C.
Other names: c.6266C>G, p.Ser2089Cys (NM_023073.4); short protein forms S2089C.
Identifiers: ClinVar variation 2199565 (VCV002199565.4), dbSNP rs1328390144, ClinGen allele CA359482446.